The following is an entry in ClinVar:

ClinVar aggregate classification (germline): Conflicting classifications of pathogenicity. Review status: criteria provided, conflicting classifications (1 of 4 stars). 3 submissions from 3 submitters: Uncertain significance (1); Benign (1); Likely benign (1). Last evaluated 2026-02-18.

Conditions:
LBR-related disorder. Also called: LBR-related condition; LBR-related disorders.
Greenberg dysplasia (GRBGD). Also called: CHONDRODYSTROPHY, HYDROPIC AND PRENATALLY LETHAL TYPE; HEM SKELETAL DYSPLASIA; MOTH-EATEN SKELETAL DYSPLASIA. Identifiers: Orphanet 1426, MedGen C2931048, MONDO:0008974, OMIM 215140.

Allele frequency attached by ClinVar (database versions not stated): 1000 Genomes Project below 0.00001; gnomAD exomes 0.00012 and 0.00027; gnomAD 0.00014 and 0.00016; TOPMed 0.00019; ExAC 0.00020; 1000 Genomes Project 30x 0.00031; ESP Exome Variant Server 0.00038.
gnomAD v4.1: 213 of 1,614,198 alleles (0.013%); highest among the groups gnomAD compares: Admixed American, 0.015%; 1 homozygote.

Submissions (3):

PreventionGenetics, part of Exact Sciences
Classification: Likely benign for LBR-related condition. Last evaluated: 2026-02-18. Review status: criteria provided, single submitter. Criteria: ACMG Guidelines, 2015. Collection method: clinical testing. Allele origin: germline.
Comment: This variant is classified as likely benign based on ACMG/AMP sequence variant interpretation guidelines (Richards et al. 2015 PMID: 25741868, with internal and published modifications).

Labcorp Genetics (formerly Invitae), Labcorp
Classification: Benign. Last evaluated: 2025-10-08. Review status: criteria provided, single submitter. Criteria: Invitae Variant Classification Sherloc (09022015). Collection method: clinical testing. Allele origin: germline.

Illumina Laboratory Services, Illumina
Classification: Uncertain significance for Greenberg dysplasia. Last evaluated: 2018-01-12. Review status: criteria provided, single submitter. Criteria: ICSL Variant Classification Criteria 13 December 2019. Collection method: clinical testing. Allele origin: germline.

NM_002296.4(LBR):c.790C>T (p.Leu264=)

Gene: LBR (lamin B receptor; minus strand). Cytogenetic location: 1q42.12.
Variant type: single nucleotide variant.
Coding change: c.790C>T on transcript NM_002296.4 (MANE Select); coding-DNA position 790, C replaced by T.
Protein change: p.Leu264=; no amino-acid change (leucine 264 retained).
Molecular consequence: synonymous variant.
Genome position (GRCh38, 1-based): chr1:225,418,031, G>A on the plus strand (C>T on the coding strand, the complement: LBR is on the minus strand). VCF-style: chr1-225418031-G-A. GRCh37 (hg19) VCF-style: chr1-225605733-G-A.
Other names: c.790C>T, p.Leu264= (NM_194442.3).
Identifiers: ClinVar variation 295942 (VCV000295942.14), dbSNP rs140355742, ClinGen allele CA1417377.